The following is an entry in ClinVar:

ClinVar aggregate classification (germline): Uncertain significance (1 of 4 stars; one submission).

Conditions:
Prieto syndrome. Also called: MENTAL RETARDATION, X-LINKED, SYNDROMIC 2. Identifiers: Orphanet 2958, MedGen C1839730, MONDO:0010667, OMIM 309610.

gnomAD v4.1: 1 of 1,210,727 alleles (0.000083%); highest among the groups gnomAD compares: Non-Finnish European, 0.00011%; no homozygotes.

Submission:

Clinical Genomics Laboratory, Washington University in St. Louis
Classification: Uncertain significance for Prieto syndrome. Last evaluated: 2026-03-27. Review status: criteria provided, single submitter. Criteria: ACMG Guidelines, 2015. Collection method: clinical testing. Allele origin: germline.
Comment: The WNK3 c.3013T>C (p.Tyr1005His) variant, to our knowledge, has not been reported in the medical literature. This variant is only observed in 1/1,210,727 alleles in the general population (gnomAD v4.1.0), indicating it is not a common variant. Computational predictors suggest that the variant does not impact WNK3 function. Due to limited information, and based on ACMG/AMP guidelines for variant interpretation (Richards S et al., PMID: 25741868), the clinical significance of this variant is uncertain at this time.

NM_020922.5(WNK3):c.3013T>C (p.Tyr1005His)

Gene: WNK3 (WNK lysine deficient protein kinase 3; minus strand). Cytogenetic location: Xp11.22.
Variant type: single nucleotide variant.
Coding change: c.3013T>C on transcript NM_020922.5 (MANE Select); coding-DNA position 3013, T replaced by C.
Protein change: p.Tyr1005His; replaces tyrosine 1005 with histidine.
Molecular consequence: missense variant.
Genome position (GRCh38, 1-based): chrX:54,249,335, A>G on the plus strand (T>C on the coding strand, the complement: WNK3 is on the minus strand). VCF-style: chrX-54249335-A-G. GRCh37 (hg19) VCF-style: chrX-54275768-A-G.
Other names: c.3013T>C, p.Tyr1005His (NM_001002838.4, NM_001395166.1); short protein forms Y1005H.
Identifiers: ClinVar variation 4879261 (VCV004879261.1).
Genomic context (GRCh38, chrX:54,249,335, plus strand): 5'-TTGATTCGCCAGGATGGGACATAAGTGCATCAGCCTGACTGGCAGTTTGGTGACATGGAT[A>G]CACAGGTATGAATATGCTTGCTTGTTTGGTGAGTCCCTCACATTCAGCTGGAACTGCACG-3'
Protein context (NP_065973.2, residues 995-1015): TKQASIFIPV[Tyr1005His]PCHQTASQAD